The following is an entry in ClinVar:

NM_022489.4(INF2):c.541G>A (p.Val181Ile)

Gene: INF2 (inverted formin 2; plus strand). Cytogenetic location: 14q32.33.
Variant type: single nucleotide variant.
Coding change: c.541G>A on transcript NM_022489.4 (MANE Select); coding-DNA position 541, G replaced by A.
Protein change: p.Val181Ile; replaces valine 181 with isoleucine.
Molecular consequence: missense variant. On other transcripts: non-coding transcript variant (1).
Genome position (GRCh38, 1-based): chr14:104,703,328, G>A. VCF-style: chr14-104703328-G-A. GRCh37 (hg19) VCF-style: chr14-105169665-G-A.
Other names: c.541G>A, p.Val181Ile (NM_001031714.4, NM_001426862.1, NM_001426863.1 and 6 more transcripts); short protein forms V181I.
Identifiers: ClinVar variation 3896883 (VCV003896883.1).

ClinVar aggregate classification (germline): Uncertain significance (1 of 4 stars; one submission).

Conditions:
Neuropathy, hereditary motor and sensory, type 6B (HMSN6B). Also called: HMSN VIB; CHARCOT-MARIE-TOOTH DISEASE, TYPE 6B; NEUROPATHY, HEREDITARY MOTOR AND SENSORY, TYPE VIB, WITH OPTIC ATROPHY; Neuropathy, hereditary motor and sensory, type VIB. Identifiers: MedGen C4225302, MONDO:0014671, OMIM 616505.

Submission:

Kariminejad - Najmabadi Pathology & Genetics Center
Classification: Uncertain significance for Neuropathy, hereditary motor and sensory, type 6B. Last evaluated: 2023-07-01. Review status: criteria provided, single submitter. Criteria: ACMG Guidelines, 2015. Collection method: clinical testing. Allele origin: germline. Inheritance: Autosomal dominant inheritance. Affected: yes.
Comment: PM2-PM5-BP4